The following is an entry in ClinVar:

NM_000492.4(CFTR):c.2276C>T (p.Pro759Leu)

Gene: CFTR (CF transmembrane conductance regulator; plus strand). Cytogenetic location: 7q31.2.
Variant type: single nucleotide variant.
Coding change: c.2276C>T on transcript NM_000492.4 (MANE Select); coding-DNA position 2276, C replaced by T.
Protein change: p.Pro759Leu; replaces proline 759 with leucine.
Molecular consequence: missense variant.
Genome position (GRCh38, 1-based): chr7:117,592,443, C>T. VCF-style: chr7-117592443-C-T. GRCh37 (hg19) VCF-style: chr7-117232497-C-T.
Other names: short protein forms P759L.
Identifiers: ClinVar variation 3266681 (VCV003266681.1).

ClinVar aggregate classification (germline): Uncertain significance (1 of 4 stars; one submission).

Conditions:
Cystic fibrosis (CF). Also called: MUCOVISCIDOSIS. Identifiers: Orphanet 586, MedGen C0010674, MONDO:0009061, OMIM 219700. Disease mechanism: loss of function.

Submission:

Ambry Genetics
Classification: Uncertain significance for Cystic fibrosis. Last evaluated: 2024-05-30. Review status: criteria provided, single submitter. Criteria: Ambry Variant Classification Scheme 2023. Collection method: clinical testing. Allele origin: germline.
Comment: The p.P759L variant (also known as c.2276C>T), located in coding exon 14 of the CFTR gene, results from a C to T substitution at nucleotide position 2276. The proline at codon 759 is replaced by leucine, an amino acid with similar properties. This amino acid position is well conserved in available vertebrate species. In addition, the in silico prediction for this alteration is inconclusive. Based on the available evidence, the clinical significance of this variant remains unclear.